The following is an entry in ClinVar:

NM_172364.5(CACNA2D4):c.2869-3C>T

Gene: CACNA2D4 (calcium voltage-gated channel auxiliary subunit alpha2delta 4; minus strand). Cytogenetic location: 12p13.33.
Variant type: single nucleotide variant.
Coding change: c.2869-3C>T on transcript NM_172364.5 (MANE Select); 3 bases into the intron before coding-DNA position 2869, C replaced by T.
Molecular consequence: intron variant.
Genome position (GRCh38, 1-based): chr12:1,800,441, G>A on the plus strand (C>T on the coding strand, the complement: CACNA2D4 is on the minus strand). VCF-style: chr12-1800441-G-A. GRCh37 (hg19) VCF-style: chr12-1909607-G-A.
Identifiers: ClinVar variation 2699598 (VCV002699598.3), dbSNP rs2497705264, ClinGen allele CA2617041525.

ClinVar aggregate classification (germline): Uncertain significance (1 of 4 stars; one submission).

gnomAD v4.1: 3 of 1,613,868 alleles (0.00019%); highest among the groups gnomAD compares: Non-Finnish European, 0.00017%; no homozygotes.

Submission:

Labcorp Genetics (formerly Invitae), Labcorp
Classification: Uncertain significance. Last evaluated: 2023-11-28. Review status: criteria provided, single submitter. Criteria: Invitae Variant Classification Sherloc (09022015). Collection method: clinical testing. Allele origin: germline.
Comment: This sequence change falls in intron 31 of the CACNA2D4 gene. It does not directly change the encoded amino acid sequence of the CACNA2D4 protein. It affects a nucleotide within the consensus splice site. This variant is not present in population databases (gnomAD no frequency). This variant has not been reported in the literature in individuals affected with CACNA2D4-related conditions. Variants that disrupt the consensus splice site are a relatively common cause of aberrant splicing (PMID: 17576681, 9536098). Algorithms developed to predict the effect of sequence changes on RNA splicing suggest that this variant is not likely to affect RNA splicing. In summary, the available evidence is currently insufficient to determine the role of this variant in disease. Therefore, it has been classified as a Variant of Uncertain Significance.

Literature cited by the submitters: PubMed 17576681; PubMed 9536098.